The following is an entry in ClinVar:

NM_024009.3(GJB3):c.798C>T (p.Asn266=)

Gene: GJB3 (gap junction protein beta 3; plus strand). Cytogenetic location: 1p34.3.
Variant type: single nucleotide variant.
Coding change: c.798C>T on transcript NM_024009.3 (MANE Select); coding-DNA position 798, C replaced by T.
Protein change: p.Asn266=; no amino-acid change (asparagine 266 retained).
Molecular consequence: synonymous variant.
Genome position (GRCh38, 1-based): chr1:34,785,560, C>T. VCF-style: chr1-34785560-C-T. GRCh37 (hg19) VCF-style: chr1-35251161-C-T.
Other names: c.798C>T, p.Asn266= (NM_001005752.2).
Identifiers: ClinVar variation 46087 (VCV000046087.25), dbSNP rs35983826, ClinGen allele CA137663.

ClinVar aggregate classification (germline): Benign/Likely benign. Review status: criteria provided, multiple submitters, no conflicts (2 of 4 stars). 8 submissions from 8 submitters: Benign (7); Likely benign (1). Last evaluated 2026-02-04.

Conditions:
Erythrokeratodermia variabilis et progressiva 1 (EKVP1). Also called: ERYTHROKERATODERMIA FIGURATA, CONGENITAL FAMILIAL, IN PLAQUES; ERYTHROKERATODERMIA VARIABILIS WITH ERYTHEMA GYRATUM REPENS; ERYTHROKERATODERMIA, PROGRESSIVE SYMMETRIC. Identifiers: Orphanet 317, MedGen C4551486, MONDO:0033010, OMIM 133200.

Allele frequency attached by ClinVar (database versions not stated): 1000 Genomes Project 0.07288; 1000 Genomes Project 30x 0.07339; TOPMed 0.08274; gnomAD exomes 0.08783 and 0.08969; ESP Exome Variant Server 0.08973; gnomAD 0.08982 and 0.09056; ExAC 0.09204.
gnomAD v4.1: 144,795 of 1,613,610 alleles (9%); highest among the groups gnomAD compares: South Asian, 12%; 7,108 homozygotes.

Submissions (8):

Labcorp Genetics (formerly Invitae), Labcorp
Classification: Benign. Last evaluated: 2026-02-04. Review status: criteria provided, single submitter. Criteria: Invitae Variant Classification Sherloc (09022015). Collection method: clinical testing. Allele origin: germline.

Blueprint Genetics
Classification: Likely benign. Last evaluated: 2024-11-26. Review status: criteria provided, single submitter. Criteria: ACMG Guidelines, 2015. Collection method: clinical testing. Allele origin: germline.

Illumina Laboratory Services, Illumina
Classification: Benign for Erythrokeratodermia variabilis et progressiva 1. Last evaluated: 2017-04-27. Review status: criteria provided, single submitter. Criteria: ICSL Variant Classification Criteria 13 December 2019. Collection method: clinical testing. Allele origin: germline.
Comment: This variant was observed as part of a predisposition screen in an ostensibly healthy population. A literature search was performed for the gene, cDNA change, and amino acid change (where applicable). No publications were found based on this search. Allele frequency data from public databases was too high to be consistent with this variant causing disease. Therefore, this variant is classified as benign.

Eurofins Ntd Llc (ga)
Classification: Benign. Last evaluated: 2015-04-15. Review status: criteria provided, single submitter. Criteria: EGL Classification Definitions 2015. Collection method: clinical testing. Allele origin: germline. Observed: 3 variant alleles, 3 heterozygotes.

GeneDx
Classification: Benign. Last evaluated: 2015-03-03. Review status: criteria provided, single submitter. Criteria: GeneDx Variant Classification Process June 2021. Collection method: clinical testing. Allele origin: germline. Affected: yes.

Laboratory for Molecular Medicine, Mass General Brigham Personalized Medicine
Classification: Benign. Last evaluated: 2012-05-07. Review status: criteria provided, single submitter. Criteria: LMM Criteria. Collection method: clinical testing. Allele origin: germline. Observed: 100 variant alleles.
Comment: "Asn266Asn in Exon 02 of GJB3: This variant is not expected to have clinical sig nificance because it does not alter an amino acid residue, is not located within the splice consensus sequence, and has been identified in 10.1% (712/7020) of E uropean American chromosomes from a broad population by the NHLBI Exome Sequenci ng Project (dbSNP rs35983826)."

Breakthrough Genomics
Classification: Benign. Review status: criteria provided, single submitter. Criteria: ACMG Guidelines, 2015. Collection method: not provided. Allele origin: germline. Inheritance: Autosomal dominant inheritance. Affected: yes.

PreventionGenetics, part of Exact Sciences
Classification: Benign. Review status: criteria provided, single submitter. Criteria: ACMG Guidelines, 2015. Collection method: clinical testing. Allele origin: germline.